The following is an entry in ClinVar:

NM_000321.3(RB1):c.1070C>T (p.Pro357Leu)

Gene: RB1 (RB transcriptional corepressor 1; plus strand). Cytogenetic location: 13q14.2.
Variant type: single nucleotide variant.
Coding change: c.1070C>T on transcript NM_000321.3 (MANE Select); coding-DNA position 1070, C replaced by T.
Protein change: p.Pro357Leu; replaces proline 357 with leucine.
Molecular consequence: missense variant.
Genome position (GRCh38, 1-based): chr13:48,368,547, C>T. VCF-style: chr13-48368547-C-T. GRCh37 (hg19) VCF-style: chr13-48942683-C-T.
Other names: c.1070C>T, p.Pro357Leu (NM_001407165.1, NM_001407166.1); short protein forms P357L.
Identifiers: ClinVar variation 4826600 (VCV004826600.1).

ClinVar aggregate classification (germline): Uncertain significance (1 of 4 stars; one submission).

Conditions:
Hereditary cancer-predisposing syndrome. Also called: Neoplastic Syndromes, Hereditary; Tumor predisposition; Hereditary Cancer Syndrome; Hereditary neoplastic syndrome. Identifiers: Orphanet 140162, MedGen C0027672, MeSH D009386, MONDO:0015356.

Submission:

Ambry Genetics
Classification: Uncertain significance for Hereditary cancer-predisposing syndrome. Last evaluated: 2026-03-11. Review status: criteria provided, single submitter. Criteria: Ambry Variant Classification Scheme 2023. Collection method: clinical testing. Allele origin: germline.
Comment: The p.P357L variant (also known as c.1070C>T), located in coding exon 11 of the RB1 gene, results from a C to T substitution at nucleotide position 1070. The proline at codon 357 is replaced by leucine, an amino acid with similar properties. This amino acid position is conserved. In addition, this alteration is predicted to be deleterious by in silico analysis. Based on the available evidence, the clinical significance of this variant remains unclear.